The following is an entry in ClinVar:

NM_001127198.5(TMC6):c.430+3G>A

Gene: TMC6 (transmembrane channel like 6; minus strand). Cytogenetic location: 17q25.3.
Variant type: single nucleotide variant.
Coding change: c.430+3G>A on transcript NM_001127198.5 (MANE Select); 3 bases into the intron after coding-DNA position 430, G replaced by A.
Molecular consequence: intron variant.
Genome position (GRCh38, 1-based): chr17:78,125,723, C>T on the plus strand (G>A on the coding strand, the complement: TMC6 is on the minus strand). VCF-style: chr17-78125723-C-T. GRCh37 (hg19) VCF-style: chr17-76121804-C-T.
Other names: c.430+3G>A (NM_001374594.1, NM_001374596.1, NM_001374593.1 and 4 more transcripts).
Identifiers: ClinVar variation 1411221 (VCV001411221.3), dbSNP rs1474816104, ClinGen allele CA628014337.

ClinVar aggregate classification (germline): Uncertain significance (1 of 4 stars; one submission).

Conditions:
Epidermodysplasia verruciformis. Identifiers: Orphanet 302, MedGen C0014522, MONDO:0009176.

Allele frequency attached by ClinVar (database versions not stated): gnomAD exomes below 0.00001; TOPMed 0.00001; gnomAD 0.00002.
gnomAD v4.1: 9 of 1,563,356 alleles (0.00058%); highest among the groups gnomAD compares: Non-Finnish European, 0.00078%; no homozygotes.

Submission:

Labcorp Genetics (formerly Invitae), Labcorp
Classification: Uncertain significance for Epidermodysplasia verruciformis. Last evaluated: 2021-07-21. Review status: criteria provided, single submitter. Criteria: Invitae Variant Classification Sherloc (09022015). Collection method: clinical testing. Allele origin: germline.
Comment: This sequence change falls in intron 5 of the TMC6 gene. It does not directly change the encoded amino acid sequence of the TMC6 protein. It affects a nucleotide within the consensus splice site of the intron. This variant is not present in population databases (ExAC no frequency). This variant has not been reported in the literature in individuals affected with TMC6-related conditions. Nucleotide substitutions within the consensus splice site are a relatively common cause of aberrant splicing (PMID: 17576681, 9536098). Experimental studies and prediction algorithms are not available or were not evaluated, and the effect of this variant on mRNA splicing is currently unknown. In summary, the available evidence is currently insufficient to determine the role of this variant in disease. Therefore, it has been classified as a Variant of Uncertain Significance.

Literature cited by the submitters: PubMed 17576681; PubMed 9536098.